The following is an entry in ClinVar:

ClinVar aggregate classification (germline): Uncertain significance (1 of 4 stars; one submission).

Conditions:
DOCK2 deficiency. Also called: Immunodeficiency 40. Identifiers: Orphanet 447737, MedGen C4225328, MONDO:0014637, OMIM 616433.

Submission:

Labcorp Genetics (formerly Invitae), Labcorp
Classification: Uncertain significance for DOCK2 deficiency. Last evaluated: 2023-07-17. Review status: criteria provided, single submitter. Criteria: Invitae Variant Classification Sherloc (09022015). Collection method: clinical testing. Allele origin: germline.
Comment: Algorithms developed to predict the effect of sequence changes on RNA splicing suggest that this variant may disrupt the consensus splice site. In summary, the available evidence is currently insufficient to determine the role of this variant in disease. Therefore, it has been classified as a Variant of Uncertain Significance. An algorithm developed to predict the effect of missense changes on protein structure and function (PolyPhen-2) suggests that this variant is likely to be tolerated. ClinVar contains an entry for this variant (Variation ID: 1520900). This variant has not been reported in the literature in individuals affected with DOCK2-related conditions. This variant is not present in population databases (gnomAD no frequency). This sequence change replaces arginine, which is basic and polar, with glycine, which is neutral and non-polar, at codon 75 of the DOCK2 protein (p.Arg75Gly).

NM_004946.3(DOCK2):c.223A>G (p.Arg75Gly)

Gene: DOCK2 (dedicator of cytokinesis 2; plus strand). Cytogenetic location: 5q35.1.
Variant type: single nucleotide variant.
Coding change: c.223A>G on transcript NM_004946.3 (MANE Select); coding-DNA position 223, A replaced by G.
Protein change: p.Arg75Gly; replaces arginine 75 with glycine.
Molecular consequence: missense variant. On other transcripts: non-coding transcript variant (1).
Genome position (GRCh38, 1-based): chr5:169,670,596, A>G. VCF-style: chr5-169670596-A-G. GRCh37 (hg19) VCF-style: chr5-169097600-A-G.
Other names: short protein forms R75G.
Identifiers: ClinVar variation 1520900 (VCV001520900.8), dbSNP rs2113287886, ClinGen allele CA362102227.